The following is an entry in ClinVar:

NM_004646.4(NPHS1):c.1170+8G>A

Gene: NPHS1 (NPHS1 adhesion molecule, nephrin; minus strand). Cytogenetic location: 19q13.12.
Variant type: single nucleotide variant.
Coding change: c.1170+8G>A on transcript NM_004646.4 (MANE Select); 8 bases into the intron after coding-DNA position 1170, G replaced by A.
Molecular consequence: intron variant.
Genome position (GRCh38, 1-based): chr19:35,848,629, C>T on the plus strand (G>A on the coding strand, the complement: NPHS1 is on the minus strand). VCF-style: chr19-35848629-C-T. GRCh37 (hg19) VCF-style: chr19-36339531-C-T.
Identifiers: ClinVar variation 259480 (VCV000259480.46), dbSNP rs140808195, ClinGen allele CA9390537.

ClinVar aggregate classification (germline): Conflicting classifications of pathogenicity. Review status: criteria provided, conflicting classifications (1 of 4 stars). 9 submissions from 9 submitters: Uncertain significance (1); Benign (2); Likely benign (5). 1 of the submissions does not count toward it. Last evaluated 2026-02-04.

Conditions:
Finnish congenital nephrotic syndrome (NPHS1). Also called: NEPHROTIC SYNDROME, TYPE 1. Identifiers: Orphanet 839, MedGen C0403399, MONDO:0009732, OMIM 256300.
Congenital nephrotic syndrome. Also called: Familial nephrotic syndrome. Identifiers: MedGen C3501848, MeSH C535761, MONDO:0002350, HP:0008677.
Focal segmental glomerulosclerosis (FSGS). Also called: Glomerulosclerosis, focal; Focal sclerosis with hyalinosis. Identifiers: MedGen C0017668, MONDO:0100313, HP:0000097. Disease mechanism: loss of function.

Allele frequency attached by ClinVar (database versions not stated): gnomAD exomes 0.00392 and 0.00683; gnomAD 0.00400 and 0.00385; ESP Exome Variant Server 0.00577; 1000 Genomes Project 0.00120; 1000 Genomes Project 30x 0.00141; ExAC 0.00374; TOPMed 0.00386.
gnomAD v4.1: 10,365 of 1,613,042 alleles (0.64%); highest among the groups gnomAD compares: Non-Finnish European, 0.82%; 42 homozygotes.

Submissions (9):

Labcorp Genetics (formerly Invitae), Labcorp
Classification: Benign. Last evaluated: 2026-02-04. Review status: criteria provided, single submitter. Criteria: Invitae Variant Classification Sherloc (09022015). Collection method: clinical testing. Allele origin: germline.

Blueprint Genetics
Classification: Likely benign. Last evaluated: 2024-11-21. Review status: criteria provided, single submitter. Criteria: ACMG Guidelines, 2015. Collection method: clinical testing. Allele origin: germline.

CeGaT Center for Human Genetics Tuebingen
Classification: Likely benign. Last evaluated: 2023-03-01. Review status: criteria provided, single submitter. Criteria: CeGaT Center For Human Genetics Tuebingen Variant Classification Criteria Version 2. Collection method: clinical testing. Allele origin: germline. Affected: yes. Observed: 1 variant allele.
Comment: NPHS1: BS2

GeneDx
Classification: Likely benign. Last evaluated: 2021-05-24. Review status: criteria provided, single submitter. Criteria: GeneDx Variant Classification Process June 2021. Collection method: clinical testing. Allele origin: germline. Affected: yes.

Genome Diagnostics Laboratory, The Hospital for Sick Children
Classification: Likely benign for Focal segmental glomerulosclerosis. Last evaluated: 2021-01-27. Review status: criteria provided, single submitter. Criteria: ACMG Guidelines, 2015. Collection method: clinical testing. Allele origin: germline.

Illumina Laboratory Services, Illumina
Classification: Uncertain significance for Congenital nephrotic syndrome. Last evaluated: 2018-01-13. Review status: criteria provided, single submitter. Criteria: ICSL Variant Classification Criteria 13 December 2019. Collection method: clinical testing. Allele origin: germline.

Athena Diagnostics
Classification: Benign. Last evaluated: 2017-08-23. Review status: criteria provided, single submitter. Criteria: Athena Diagnostics Criteria. Collection method: clinical testing. Allele origin: germline.

PreventionGenetics, part of Exact Sciences
Classification: Likely benign. Review status: criteria provided, single submitter. Criteria: ACMG Guidelines, 2015. Collection method: clinical testing. Allele origin: germline.

Natera, Inc.
Classification: Likely benign for Finnish congenital nephrotic syndrome. Last evaluated: 2020-01-10. Review status: no assertion criteria provided. Collection method: clinical testing. Allele origin: germline. Not counted in ClinVar's aggregate classification.